The following is an entry in ClinVar:

GRCh38/hg38 Xq21.33(chrX:97300288-98038562)x0

Genes: DIAPH2 (diaphanous related formin 2; plus strand), DIAPH2-AS1 (DIAPH2 antisense RNA 1; minus strand), LOC126863292 (P300/CBP strongly-dependent group 1 enhancer GRCh37_chrX:96871608-96872807; plus strand), LOC130068482 (ATAC-STARR-seq lymphoblastoid active region 29799; plus strand), LOC130068483 (ATAC-STARR-seq lymphoblastoid active region 29800; plus strand). Cytogenetic location: Xq21.33.
Variant type: copy number loss.
Change: copy number 0 of chrX:97,300,288-98,038,562 (738.3 kb, GRCh38 coordinates, 1-based), cytogenetic band Xq21.33.
Identifiers: ClinVar variation 57479 (VCV000057479.2).

ClinVar aggregate classification (germline): Uncertain significance (1 of 4 stars; one submission).

Submission:

ISCA site 4
Classification: Uncertain significance. Last evaluated: 2011-08-12. Review status: criteria provided, single submitter. Criteria: Kaminsky et al. (Genet Med. 2011). Collection method: clinical testing. Allele origin: unknown. Affected: yes. Observed: 1 variant allele.
Comment: Copy number variation identified through the course of routine clinical cytogenomic testing in postnatal populations. Clinical assertions have been curated as described in Kaminsky et al. 2011.